The following is an entry in ClinVar:

NM_002485.5(NBN):c.2079T>A (p.Tyr693Ter)

Gene: NBN (nibrin; minus strand). Cytogenetic location: 8q21.3.
Variant type: single nucleotide variant.
Coding change: c.2079T>A on transcript NM_002485.5 (MANE Select); coding-DNA position 2079, T replaced by A.
Protein change: p.Tyr693Ter; replaces tyrosine 693 with a stop codon.
Molecular consequence: nonsense.
Genome position (GRCh38, 1-based): chr8:89,943,358, A>T on the plus strand (T>A on the coding strand, the complement: NBN is on the minus strand). VCF-style: chr8-89943358-A-T. GRCh37 (hg19) VCF-style: chr8-90955586-A-T.
Other names: c.1833T>A, p.Tyr611Ter (NM_001024688.3); short protein forms Y611*, Y693*.
Identifiers: ClinVar variation 3658381 (VCV003658381.2).

ClinVar aggregate classification (germline): Pathogenic (1 of 4 stars; one submission).

Conditions:
Microcephaly, normal intelligence and immunodeficiency (NBS). Also called: Nijmegen breakage syndrome; Microcephaly with normal intelligence immunodeficiency and lymphoreticular malignancies; Nonsyndromal microcephaly autosomal recessive with normal intelligence; Seemanova syndrome 2; BERLIN BREAKAGE SYNDROME; IMMUNODEFICIENCY, MICROCEPHALY, AND CHROMOSOMAL INSTABILITY. Identifiers: Orphanet 647, MedGen C0398791, MONDO:0009623, OMIM 251260.

Submission:

Labcorp Genetics (formerly Invitae), Labcorp
Classification: Pathogenic for Microcephaly, normal intelligence and immunodeficiency. Last evaluated: 2024-07-01. Review status: criteria provided, single submitter. Criteria: Invitae Variant Classification Sherloc (09022015). Collection method: clinical testing. Allele origin: germline.
Comment: This sequence change creates a premature translational stop signal (p.Tyr693*) in the NBN gene. It is expected to result in an absent or disrupted protein product. Loss-of-function variants in NBN are known to be pathogenic (PMID: 9590180, 16415040). This variant is not present in population databases (gnomAD no frequency). This variant has not been reported in the literature in individuals affected with NBN-related conditions. For these reasons, this variant has been classified as Pathogenic.

Literature cited by the submitters: PubMed 9590180; PubMed 16415040.